The following is an entry in ClinVar:

NM_000548.5(TSC2):c.4674G>A (p.Glu1558=)

Gene: TSC2 (TSC complex subunit 2; plus strand). Cytogenetic location: 16p13.3.
Variant type: single nucleotide variant.
Coding change: c.4674G>A on transcript NM_000548.5 (MANE Select); coding-DNA position 4674, G replaced by A.
Protein change: p.Glu1558=; no amino-acid change (glutamic acid 1558 retained).
Molecular consequence: synonymous variant.
Genome position (GRCh38, 1-based): chr16:2,086,204, G>A. VCF-style: chr16-2086204-G-A. GRCh37 (hg19) VCF-style: chr16-2136205-G-A.
Other names: c.4473G>A, p.Glu1491= (NM_001077183.3); c.4605G>A, p.Glu1535= (NM_001114382.3); c.4365G>A, p.Glu1455= (NM_001318827.2); c.4329G>A, p.Glu1443= (NM_001318829.2); c.3942G>A, p.Glu1314= (NM_001318831.2); c.4506G>A, p.Glu1502= (NM_001318832.2); c.4476G>A, p.Glu1492= (NM_001363528.2); c.4542G>A, p.Glu1514= (NM_001370404.1); and 1 more.
Identifiers: ClinVar variation 1119050 (VCV001119050.36), dbSNP rs2151569595, ClinGen allele CA493043508.

ClinVar aggregate classification (germline): Benign/Likely benign. Review status: criteria provided, multiple submitters, no conflicts (2 of 4 stars). 4 submissions from 4 submitters: Benign (1); Likely benign (3). Last evaluated 2025-06-04.

Conditions:
Tuberous sclerosis 2 (TSC2). Identifiers: Orphanet 805, MedGen C1860707, MONDO:0013199, OMIM 613254.
Hereditary cancer-predisposing syndrome. Also called: Tumor predisposition; Hereditary neoplastic syndrome; Hereditary Cancer Syndrome; Neoplastic Syndromes, Hereditary. Identifiers: Orphanet 140162, MedGen C0027672, MeSH D009386, MONDO:0015356.

Submissions (4):

Myriad Genetics, Inc.
Classification: Benign for Tuberous sclerosis 2. Last evaluated: 2025-06-04. Review status: criteria provided, single submitter. Criteria: Myriad Autosomal Dominant, Autosomal Recessive and X-Linked Classification Criteria (2023). Collection method: clinical testing. Allele origin: unknown.
Comment: This variant is considered benign. This variant is a silent/synonymous amino acid change and it is not expected to impact splicing.

CeGaT Center for Human Genetics Tuebingen
Classification: Likely benign. Last evaluated: 2023-06-01. Review status: criteria provided, single submitter. Criteria: CeGaT Center For Human Genetics Tuebingen Variant Classification Criteria Version 2. Collection method: clinical testing. Allele origin: germline. Affected: yes. Observed: 1 variant allele.
Comment: TSC2: PM2:Supporting, BP4, BP7

Ambry Genetics
Classification: Likely benign for Hereditary cancer-predisposing syndrome. Last evaluated: 2022-05-05. Review status: criteria provided, single submitter. Criteria: Ambry Variant Classification Scheme 2023. Collection method: clinical testing. Allele origin: germline.

Labcorp Genetics (formerly Invitae), Labcorp
Classification: Likely benign for Tuberous sclerosis 2. Last evaluated: 2021-12-25. Review status: criteria provided, single submitter. Criteria: Invitae Variant Classification Sherloc (09022015). Collection method: clinical testing. Allele origin: germline.